The following is an entry in ClinVar:

ClinVar aggregate classification (germline): Likely benign (1 of 4 stars; one submission).

Allele frequency attached by ClinVar (database versions not stated): ESP Exome Variant Server 0.00246; gnomAD 0.00254; ExAC 0.00271; 1000 Genomes Project 30x 0.00312; 1000 Genomes Project 0.00319.
gnomAD v4.1: 4,920 of 1,611,548 alleles (0.31%); highest among the groups gnomAD compares: Middle Eastern, 0.76%; 15 homozygotes.

Submission:

CeGaT Center for Human Genetics Tuebingen
Classification: Likely benign. Last evaluated: 2023-01-01. Review status: criteria provided, single submitter. Criteria: CeGaT Center For Human Genetics Tuebingen Variant Classification Criteria Version 2. Collection method: clinical testing. Allele origin: germline. Affected: yes. Observed: 1 variant allele.
Comment: CCDC73: BP4, BS2

NM_001008391.4(CCDC73):c.2876T>G (p.Val959Gly)

Gene: CCDC73 (coiled-coil domain containing 73; minus strand). Cytogenetic location: 11p13.
Variant type: single nucleotide variant.
Coding change: c.2876T>G on transcript NM_001008391.4 (MANE Select); coding-DNA position 2876, T replaced by G.
Protein change: p.Val959Gly; replaces valine 959 with glycine.
Molecular consequence: missense variant.
Genome position (GRCh38, 1-based): chr11:32,613,442, A>C on the plus strand (T>G on the coding strand, the complement: CCDC73 is on the minus strand). VCF-style: chr11-32613442-A-C. GRCh37 (hg19) VCF-style: chr11-32634988-A-C.
Other names: short protein forms V959G.
Identifiers: ClinVar variation 2641706 (VCV002641706.24), dbSNP rs117521878, ClinGen allele CA5935080.